The following is an entry in ClinVar:

ClinVar aggregate classification (germline): Uncertain significance. Review status: criteria provided, single submitter (1 of 4 stars). 2 submissions from 2 submitters: Uncertain significance (1). 1 of the submissions does not count toward it. Last evaluated 2024-03-01.

Conditions:
Ellis-van Creveld syndrome (EVC). Also called: MESOECTODERMAL DYSPLASIA; Chondroectodermal dysplasia. Identifiers: Orphanet 289, MedGen C0013903, MONDO:0009162, OMIM 225500.

Submissions (2):

CeGaT Center for Human Genetics Tuebingen
Classification: Uncertain significance. Last evaluated: 2024-03-01. Review status: criteria provided, single submitter. Criteria: CeGaT Center For Human Genetics Tuebingen Variant Classification Criteria Version 2. Collection method: clinical testing. Allele origin: germline. Affected: yes. Observed: 1 variant allele.
Comment: EVC: PM2, BP4

Natera, Inc.
Classification: Uncertain significance for Ellis-van Creveld syndrome. Last evaluated: 2025-03-24. Review status: no assertion criteria provided. Collection method: clinical testing. Allele origin: germline. Not counted in ClinVar's aggregate classification.

NM_153717.3(EVC):c.1390C>G (p.Leu464Val)

Gene: EVC (EvC ciliary complex subunit 1; plus strand). Cytogenetic location: 4p16.2.
Variant type: single nucleotide variant.
Coding change: c.1390C>G on transcript NM_153717.3 (MANE Select); coding-DNA position 1390, C replaced by G.
Protein change: p.Leu464Val; replaces leucine 464 with valine.
Molecular consequence: missense variant.
Genome position (GRCh38, 1-based): chr4:5,753,859, C>G. VCF-style: chr4-5753859-C-G. GRCh37 (hg19) VCF-style: chr4-5755586-C-G.
Other names: c.1390C>G, p.Leu464Val (NM_001306090.2, NM_001306092.2); c.1390C>G (NM_153717.2); short protein forms L464V.
Identifiers: ClinVar variation 3067491 (VCV003067491.22), dbSNP rs986329571, ClinGen allele CA91742999.